The following is an entry in ClinVar:

ClinVar aggregate classification (germline): Uncertain significance. Review status: criteria provided, multiple submitters, no conflicts (2 of 4 stars). 2 submissions from 2 submitters: Uncertain significance (2). Last evaluated 2024-05-18.

Conditions:
Hereditary cancer-predisposing syndrome. Also called: Neoplastic Syndromes, Hereditary; Tumor predisposition; Hereditary Cancer Syndrome; Hereditary neoplastic syndrome. Identifiers: Orphanet 140162, MedGen C0027672, MeSH D009386, MONDO:0015356.

Submissions (2):

Ambry Genetics
Classification: Uncertain significance for Hereditary cancer-predisposing syndrome. Last evaluated: 2024-05-18. Review status: criteria provided, single submitter. Criteria: Ambry Variant Classification Scheme 2023. Collection method: clinical testing. Allele origin: germline.
Comment: The p.F638C variant (also known as c.1913T>G), located in coding exon 14 of the MSH3 gene, results from a T to G substitution at nucleotide position 1913. The phenylalanine at codon 638 is replaced by cysteine, an amino acid with highly dissimilar properties. This amino acid position is conserved. In addition, this alteration is predicted to be deleterious by in silico analysis. Based on the available evidence, the clinical significance of this variant remains unclear.

Labcorp Genetics (formerly Invitae), Labcorp
Classification: Uncertain significance. Last evaluated: 2023-03-23. Review status: criteria provided, single submitter. Criteria: Invitae Variant Classification Sherloc (09022015). Collection method: clinical testing. Allele origin: germline.
Comment: This sequence change replaces phenylalanine, which is neutral and non-polar, with cysteine, which is neutral and slightly polar, at codon 638 of the MSH3 protein (p.Phe638Cys). This variant is not present in population databases (gnomAD no frequency). This variant has not been reported in the literature in individuals affected with MSH3-related conditions. ClinVar contains an entry for this variant (Variation ID: 1715080). An algorithm developed to predict the effect of missense changes on protein structure and function (PolyPhen-2) suggests that this variant is likely to be disruptive. In summary, the available evidence is currently insufficient to determine the role of this variant in disease. Therefore, it has been classified as a Variant of Uncertain Significance.

NM_002439.5(MSH3):c.1913T>G (p.Phe638Cys)

Gene: MSH3 (mutS homolog 3; plus strand). Cytogenetic location: 5q14.1.
Variant type: single nucleotide variant.
Coding change: c.1913T>G on transcript NM_002439.5 (MANE Select); coding-DNA position 1913, T replaced by G.
Protein change: p.Phe638Cys; replaces phenylalanine 638 with cysteine.
Molecular consequence: missense variant.
Genome position (GRCh38, 1-based): chr5:80,767,949, T>G. VCF-style: chr5-80767949-T-G. GRCh37 (hg19) VCF-style: chr5-80063768-T-G.
Other names: c.1913T>G (NM_002439.3); short protein forms F638C.
Identifiers: ClinVar variation 1715080 (VCV001715080.6), dbSNP rs2546773545, ClinGen allele CA360277462.